The following is an entry in ClinVar:

ClinVar aggregate classification (germline): Pathogenic (1 of 4 stars; one submission).

Submission:

Labcorp Genetics (formerly Invitae), Labcorp
Classification: Pathogenic. Last evaluated: 2022-12-06. Review status: criteria provided, single submitter. Criteria: Invitae Variant Classification Sherloc (09022015). Collection method: clinical testing. Allele origin: germline.
Comment: For these reasons, this variant has been classified as Pathogenic. ClinVar contains an entry for this variant (Variation ID: 1419394). This variant has not been reported in the literature in individuals affected with TTC37-related conditions. This variant is not present in population databases (gnomAD no frequency). This sequence change creates a premature translational stop signal (p.Lys698*) in the TTC37 gene. It is expected to result in an absent or disrupted protein product. Loss-of-function variants in TTC37 are known to be pathogenic (PMID: 20176027, 21120949).

Literature cited by the submitters: PubMed 20176027; PubMed 21120949.

NM_014639.4(SKIC3):c.2092A>T (p.Lys698Ter)

Gene: SKIC3 (SKI3 subunit of superkiller complex; minus strand). Cytogenetic location: 5q15.
Variant type: single nucleotide variant.
Coding change: c.2092A>T on transcript NM_014639.4 (MANE Select); coding-DNA position 2092, A replaced by T.
Protein change: p.Lys698Ter; replaces lysine 698 with a stop codon.
Molecular consequence: nonsense.
Genome position (GRCh38, 1-based): chr5:95,520,738, T>A on the plus strand (A>T on the coding strand, the complement: SKIC3 is on the minus strand). VCF-style: chr5-95520738-T-A. GRCh37 (hg19) VCF-style: chr5-94856442-T-A.
Other names: short protein forms K698*.
Identifiers: ClinVar variation 1419394 (VCV001419394.6), dbSNP rs2112327948, ClinGen allele CA360462313.